The following is an entry in ClinVar:

NM_001034853.2(RPGR):c.2997_3008del (p.993EEGE[2])

Gene: RPGR (retinitis pigmentosa GTPase regulator; minus strand). Cytogenetic location: Xp11.4.
Variant type: Deletion.
Coding change: c.2997_3008del on transcript NM_001034853.2 (MANE Select); coding-DNA positions 2997 to 3008, 12 bases deleted (GGAGGAAGAAGG).
Protein change: p.993EEGE[2].
Molecular consequence: inframe deletion. On other transcripts: intron variant (8).
Genome position (GRCh38, 1-based): chrX:38,285,991-38,286,002, CCTTCTTCCTCC deleted on the plus strand (GGAGGAAGAAGG on the coding strand, the reverse complement: RPGR is on the minus strand); deleting any 12 consecutive bases within chrX:38,285,991-38,286,010 gives the same sequence; the c. name uses the placement nearest the transcript's 3' end. VCF-style (leftmost placement, unchanged base first): chrX-38285990-TCCTTCTTCCTCC-T. GRCh37 (hg19) VCF-style: chrX-38145243-TCCTTCTTCCTCC-T.
Other names: c.1569+4957_1569+4968del (NM_001367249.1, NM_001367250.1); c.1902+1092_1902+1103del (NM_001367245.1); c.1386+4957_1386+4968del (NM_001367251.1); c.1719+1092_1719+1103del (NM_001367246.1); c.1572+4957_1572+4968del (NM_001367247.1); c.1905+1092_1905+1103del (NM_000328.3); c.1602+4957_1602+4968del (NM_001367248.1).
Identifiers: ClinVar variation 2130654 (VCV002130654.3), dbSNP rs2067130298, ClinGen allele CA1132419395.

ClinVar aggregate classification (germline): Uncertain significance (1 of 4 stars; one submission).

Conditions:
Primary ciliary dyskinesia. Also called: Ciliary dyskinesia. Identifiers: Orphanet 244, MedGen C0008780, MONDO:0016575, HP:0012265.

Submission:

Labcorp Genetics (formerly Invitae), Labcorp
Classification: Uncertain significance for Primary ciliary dyskinesia. Last evaluated: 2023-08-24. Review status: criteria provided, single submitter. Criteria: Invitae Variant Classification Sherloc (09022015). Collection method: clinical testing. Allele origin: germline.
Comment: This variant has not been reported in the literature in individuals affected with RPGR (ORF15)-related conditions. This variant is not present in population databases (gnomAD no frequency). This variant, c.2997_3008del, results in the deletion of 4 amino acid(s) of the RPGR (ORF15) protein (p.Glu1001_Glu1004del), but otherwise preserves the integrity of the reading frame. ClinVar contains an entry for this variant (Variation ID: 2130654). In summary, the available evidence is currently insufficient to determine the role of this variant in disease. Therefore, it has been classified as a Variant of Uncertain Significance. Experimental studies and prediction algorithms are not available or were not evaluated, and the functional significance of this variant is currently unknown.